The following is an entry in ClinVar:

ClinVar aggregate classification (germline): Conflicting classifications of pathogenicity. Review status: criteria provided, conflicting classifications (1 of 4 stars). 2 submissions from 2 submitters: Uncertain significance (1); Likely benign (1). Last evaluated 2026-09-11.

Conditions:
Hereditary cancer-predisposing syndrome. Also called: Hereditary Cancer Syndrome; Neoplastic Syndromes, Hereditary; Hereditary neoplastic syndrome; Tumor predisposition. Identifiers: Orphanet 140162, MedGen C0027672, MeSH D009386, MONDO:0015356.
Peutz-Jeghers syndrome (PJS). Also called: POLYPOSIS, HAMARTOMATOUS INTESTINAL; POLYPS-AND-SPOTS SYNDROME; Peutz-Jeghers polyposis; Periorificial lentiginosis syndrome. Identifiers: Orphanet 2869, MedGen C0031269, MeSH D010580, MONDO:0008280, OMIM 175200.

Submissions (2):

Ambry Genetics
Classification: Likely benign for Hereditary cancer-predisposing syndrome. Last evaluated: 2026-09-11. Review status: criteria provided, single submitter. Criteria: Ambry Variant Classification Scheme 2023. Collection method: clinical testing. Allele origin: germline.

Labcorp Genetics (formerly Invitae), Labcorp
Classification: Uncertain significance for Peutz-Jeghers syndrome. Last evaluated: 2021-07-07. Review status: criteria provided, single submitter. Criteria: Invitae Variant Classification Sherloc (09022015). Collection method: clinical testing. Allele origin: germline.
Comment: This sequence change replaces leucine with isoleucine at codon 386 of the STK11 protein (p.Leu386Ile). The leucine residue is moderately conserved and there is a small physicochemical difference between leucine and isoleucine. This variant is not present in population databases (ExAC no frequency). This variant has not been reported in the literature in individuals affected with STK11-related conditions. Advanced modeling of protein sequence and biophysical properties (such as structural, functional, and spatial information, amino acid conservation, physicochemical variation, residue mobility, and thermodynamic stability) performed at Invitae indicates that this missense variant is not expected to disrupt STK11 protein function. In summary, the available evidence is currently insufficient to determine the role of this variant in disease. Therefore, it has been classified as a Variant of Uncertain Significance.

NM_000455.5(STK11):c.1156C>A (p.Leu386Ile)

Gene: STK11 (serine/threonine kinase 11; plus strand). Cytogenetic location: 19p13.3.
Variant type: single nucleotide variant.
Coding change: c.1156C>A on transcript NM_000455.5 (MANE Select); coding-DNA position 1156, C replaced by A.
Protein change: p.Leu386Ile; replaces leucine 386 with isoleucine.
Molecular consequence: missense variant.
Genome position (GRCh38, 1-based): chr19:1,226,501, C>A. VCF-style: chr19-1226501-C-A. GRCh37 (hg19) VCF-style: chr19-1226500-C-A.
Other names: c.1156C>A (NM_000455.4); short protein forms L386I.
Identifiers: ClinVar variation 1365767 (VCV001365767.8), dbSNP rs2145435992, ClinGen allele CA402953408.